The following is an entry in ClinVar:

NM_001166108.2(PALLD):c.2959A>T (p.Ile987Phe)

Genes: CBR4 (carbonyl reductase 4; minus strand), PALLD (palladin, cytoskeletal associated protein; plus strand). Cytogenetic location: 4q32.3.
Variant type: single nucleotide variant.
Coding change: c.2959A>T on transcript NM_001166108.2 (MANE Select); coding-DNA position 2959, A replaced by T.
Protein change: p.Ile987Phe; replaces isoleucine 987 with phenylalanine.
Molecular consequence: missense variant.
Genome position (GRCh38, 1-based): chr4:168,921,642, A>T. VCF-style: chr4-168921642-A-T. GRCh37 (hg19) VCF-style: chr4-169842793-A-T.
Other names: c.1762A>T, p.Ile588Phe (NM_001166109.2); c.1447A>T, p.Ile483Phe (NM_001166110.2); c.787A>T, p.Ile263Phe (NM_001367567.1, NM_001367569.1); c.838A>T, p.Ile280Phe (NM_001367568.1, NM_001367570.1); c.2908A>T, p.Ile970Phe (NM_016081.4); short protein forms I280F, I970F, I263F, I483F, I588F, I987F.
Identifiers: ClinVar variation 1797529 (VCV001797529.2), dbSNP rs2534194208, ClinGen allele CA358709169.

ClinVar aggregate classification (germline): Uncertain significance (1 of 4 stars; one submission).

gnomAD v4.1: 1 of 1,611,276 alleles (0.000062%); no homozygotes.

Submission:

Ambry Genetics
Classification: Uncertain significance. Last evaluated: 2023-09-16. Review status: criteria provided, single submitter. Criteria: Ambry Variant Classification Scheme 2023. Collection method: clinical testing. Allele origin: germline.
Comment: The p.I970F variant (also known as c.2908A>T), located in coding exon 16 of the PALLD gene, results from an A to T substitution at nucleotide position 2908. The isoleucine at codon 970 is replaced by phenylalanine, an amino acid with highly similar properties. This amino acid position is conserved. In addition, this alteration is predicted to be tolerated by in silico analysis. Since supporting evidence is limited at this time, the clinical significance of this alteration remains unclear.